The following is an entry in ClinVar:

NM_001059.3(TACR3):c.993G>A (p.Trp331Ter)

Genes: TACR3 (tachykinin receptor 3; minus strand), TACR3-AS1 (TACR3 antisense RNA 1; plus strand). Cytogenetic location: 4q24.
Variant type: single nucleotide variant.
Coding change: c.993G>A on transcript NM_001059.3 (MANE Select); coding-DNA position 993, G replaced by A.
Protein change: p.Trp331Ter; replaces tryptophan 331 with a stop codon.
Molecular consequence: nonsense.
Genome position (GRCh38, 1-based): chr4:103,591,579, C>T on the plus strand (G>A on the coding strand, the complement: TACR3 is on the minus strand). VCF-style: chr4-103591579-C-T. GRCh37 (hg19) VCF-style: chr4-104512736-C-T.
Other names: short protein forms W331*.
Identifiers: ClinVar variation 5018652 (VCV005018652.2).
Genomic context (GRCh38, chr4:103,591,579, plus strand): 5'-GTACATGGTTGAGCTCATTGCCAGCCAAAAGCTAGCCAGGTAGACCTGCTGGATGTATTT[C>T]CATCTATTTAGTTGTTGATAGATTGCAGTGAGAATGAAGTAAATATGATAGGGCAGCCAG-3'

ClinVar aggregate classification (germline): Likely pathogenic (1 of 4 stars; one submission).

Conditions:
Hypogonadotropic hypogonadism 11 with or without anosmia (HH11). Also called: TACR3-Related GnRH Deficiency; HYPOGONADOTROPIC HYPOGONADISM 11 WITHOUT ANOSMIA. Identifiers: Orphanet 478, MedGen C3553844, MONDO:0013913, OMIM 614840.

gnomAD v4.1: 3 of 1,613,872 alleles (0.00019%); highest among the groups gnomAD compares: East Asian, 0.0022%; no homozygotes.

Submission:

Juno Genomics, Hangzhou Juno Genomics, Inc
Classification: Likely pathogenic for Hypogonadotropic hypogonadism 11 with or without anosmia. Review status: criteria provided, single submitter. Criteria: ACMG Guidelines, 2015. Collection method: clinical testing. Allele origin: germline.
Comment: Absent from controls (or at extremely low frequency if recessive) in Genome Aggregation Database.;Null variant in a gene where loss of function (LOF) is a known mechanism of disease.